The following is an entry in ClinVar:

ClinVar aggregate classification (germline): Conflicting classifications of pathogenicity. Review status: criteria provided, conflicting classifications (1 of 4 stars). 3 submissions from 3 submitters: Uncertain significance (2); Likely benign (1). Last evaluated 2024-10-09.

Conditions:
XK-related neurodegenerative disease. Also called: McLeod neuroacanthocytosis syndrome; X-linked McLeod syndrome; MCLEOD SYNDROME; NEUROACANTHOCYTOSIS, MCLEOD TYPE; MCLEOD PHENOTYPE. Identifiers: Orphanet 59306, MedGen C0398568, MONDO:0018945, OMIM 300842. Disease mechanism: loss of function.

Allele frequency attached by ClinVar (database versions not stated): gnomAD exomes 0.00004; ExAC 0.00005; TOPMed 0.00005; gnomAD 0.00007; ESP Exome Variant Server 0.00009.
gnomAD v4.1: 49 of 1,209,275 alleles (0.0041%); highest among the groups gnomAD compares: Non-Finnish European, 0.0051%; no homozygotes.

Submissions (3):

Revvity Omics, Revvity
Classification: Uncertain significance for XK-related neurodegenerative disease. Last evaluated: 2024-10-09. Review status: criteria provided, single submitter. Criteria: ACMG Guidelines, 2015. Collection method: clinical testing. Allele origin: germline.

Blueprint Genetics
Classification: Likely benign. Last evaluated: 2024-09-02. Review status: criteria provided, single submitter. Criteria: ACMG Guidelines, 2015. Collection method: clinical testing. Allele origin: germline.

Labcorp Genetics (formerly Invitae), Labcorp
Classification: Uncertain significance. Last evaluated: 2022-04-12. Review status: criteria provided, single submitter. Criteria: Invitae Variant Classification Sherloc (09022015). Collection method: clinical testing. Allele origin: germline.
Comment: In summary, the available evidence is currently insufficient to determine the role of this variant in disease. Therefore, it has been classified as a Variant of Uncertain Significance. Algorithms developed to predict the effect of missense changes on protein structure and function are either unavailable or do not agree on the potential impact of this missense change (SIFT: "Not Available"; PolyPhen-2: "Probably Damaging"; Align-GVGD: "Not Available"). This variant has not been reported in the literature in individuals affected with XK-related conditions. This variant is present in population databases (rs371386605, gnomAD 0.007%), including at least one homozygous and/or hemizygous individual. This sequence change replaces leucine, which is neutral and non-polar, with glutamine, which is neutral and polar, at codon 24 of the XK protein (p.Leu24Gln).

NM_021083.4(XK):c.71T>A (p.Leu24Gln)

Gene: XK (X-linked Kx blood group antigen, Kell and VPS13A binding protein; plus strand). Cytogenetic location: Xp21.1.
Variant type: single nucleotide variant.
Coding change: c.71T>A on transcript NM_021083.4 (MANE Select); coding-DNA position 71, T replaced by A.
Protein change: p.Leu24Gln; replaces leucine 24 with glutamine.
Molecular consequence: missense variant.
Genome position (GRCh38, 1-based): chrX:37,686,032, T>A. VCF-style: chrX-37686032-T-A. GRCh37 (hg19) VCF-style: chrX-37545285-T-A.
Other names: short protein forms L24Q.
Identifiers: ClinVar variation 2159928 (VCV002159928.6), dbSNP rs371386605, ClinGen allele CA10383507.
Genomic context (GRCh38, chrX:37,686,032, plus strand): 5'-CGGCCTCGGTGCTGGCGTCCGTGTTCCTGTTCGTGGCCGAGACAACGGCGGCGCTCAGCC[T>A]GAGCAGCACCTACCGCTCGGGCGGGGACCGCATGTGGCAGGCGCTGACGTTGCTTTTCTC-3'
Protein context (NP_066569.1, residues 14-34): FVAETTAALS[Leu24Gln]SSTYRSGGDR